The following is an entry in ClinVar:

ClinVar aggregate classification (germline): Conflicting classifications of pathogenicity. Review status: criteria provided, conflicting classifications (1 of 4 stars). 3 submissions from 3 submitters: Uncertain significance (2); Likely benign (1). Last evaluated 2025-03-27.

Conditions:
Emery-Dreifuss muscular dystrophy 5, autosomal dominant (EDMD5). Also called: EMERY-DREIFUSS MUSCULAR DYSTROPHY 5. Identifiers: Orphanet 261, MedGen C2751805, MONDO:0013072, OMIM 612999.

Allele frequency attached by ClinVar (database versions not stated): gnomAD 0.00006; TOPMed 0.00007.
gnomAD v4.1: 30 of 1,613,982 alleles (0.0019%); highest among the groups gnomAD compares: Admixed American, 0.047%; no homozygotes.

Submissions (3):

Labcorp Genetics (formerly Invitae), Labcorp
Classification: Uncertain significance for Emery-Dreifuss muscular dystrophy 5, autosomal dominant. Last evaluated: 2025-03-27. Review status: criteria provided, single submitter. Criteria: Invitae Variant Classification Sherloc (09022015). Collection method: clinical testing. Allele origin: germline.
Comment: This sequence change replaces lysine, which is basic and polar, with glutamine, which is neutral and polar, at codon 3499 of the SYNE2 protein (p.Lys3499Gln). This variant is present in population databases (rs752900825, gnomAD 0.05%), and has an allele count higher than expected for a pathogenic variant. This variant has not been reported in the literature in individuals affected with SYNE2-related conditions. ClinVar contains an entry for this variant (Variation ID: 313553). An algorithm developed to predict the effect of missense changes on protein structure and function (PolyPhen-2) suggests that this variant is likely to be disruptive. In summary, the available evidence is currently insufficient to determine the role of this variant in disease. Therefore, it has been classified as a Variant of Uncertain Significance.

Revvity Omics, Revvity
Classification: Uncertain significance for Emery-Dreifuss muscular dystrophy 5, autosomal dominant. Last evaluated: 2020-03-13. Review status: criteria provided, single submitter. Criteria: ACMG Guidelines, 2015. Collection method: clinical testing. Allele origin: germline.

Illumina Laboratory Services, Illumina
Classification: Likely benign for Emery-Dreifuss muscular dystrophy 5, autosomal dominant. Last evaluated: 2018-01-13. Review status: criteria provided, single submitter. Criteria: ICSL Variant Classification Criteria 13 December 2019. Collection method: clinical testing. Allele origin: germline.
Comment: This variant was observed in the ICSL laboratory as part of a predisposition screen in an ostensibly healthy population. It had not been previously curated by ICSL or reported in the Human Gene Mutation Database (HGMD: prior to June 1st, 2018), and was therefore a candidate for classification through an automated scoring system. Utilizing variant allele frequency, disease prevalence and penetrance estimates, and inheritance mode, an automated score was calculated to assess if this variant is too frequent to cause the disease. Based on the score and internal cut-off values, a variant classified as likely benign is not then subjected to further curation. The score for this variant resulted in a classification of likely benign for this disease.

NM_182914.3(SYNE2):c.10495A>C (p.Lys3499Gln)

Gene: SYNE2 (spectrin repeat containing nuclear envelope protein 2; plus strand). Cytogenetic location: 14q23.2.
Variant type: single nucleotide variant.
Coding change: c.10495A>C on transcript NM_182914.3 (MANE Select); coding-DNA position 10495, A replaced by C.
Protein change: p.Lys3499Gln; replaces lysine 3499 with glutamine.
Molecular consequence: missense variant.
Genome position (GRCh38, 1-based): chr14:64,070,708, A>C. VCF-style: chr14-64070708-A-C. GRCh37 (hg19) VCF-style: chr14-64537426-A-C.
Other names: c.10495A>C, p.Lys3499Gln (NM_015180.6); short protein forms K3499Q.
Identifiers: ClinVar variation 313553 (VCV000313553.11), dbSNP rs752900825, ClinGen allele CA7221535.